The following is an entry in ClinVar:

NM_000558.5(HBA1):c.43T>C (p.Trp15Arg)

Genes: HBA1 (hemoglobin subunit alpha 1; plus strand), LOC106804613 (hemoglobin subunit alpha 1 recombination region; plus strand). Cytogenetic location: 16p13.3.
Variant type: single nucleotide variant.
Coding change: c.43T>C on transcript NM_000558.5 (MANE Select); coding-DNA position 43, T replaced by C.
Protein change: p.Trp15Arg; replaces tryptophan 15 with arginine.
Molecular consequence: missense variant.
Genome position (GRCh38, 1-based): chr16:176,759, T>C. VCF-style: chr16-176759-T-C. GRCh37 (hg19) VCF-style: chr16-226758-T-C.
Other names: CD 14 TGG>CGG [Trp>Arg]; c.43T>C (NM_000558.4); short protein forms W15R.
Identifiers: ClinVar variation 439103 (VCV000439103.12), dbSNP rs33964317, ClinGen allele CA7770225.
Genomic context (GRCh38, chr16:176,759, plus strand): 5'-ACTCAGAGAGAACCCACCATGGTGCTGTCTCCTGCCGACAAGACCAACGTCAAGGCCGCC[T>C]GGGGTAAGGTCGGCGCGCACGCTGGCGAGTATGGTGCGGAGGCCCTGGAGAGGTGAGGCT-3'
Protein context (NP_000549.1, residues 5-25): PADKTNVKAA[Trp15Arg]GKVGAHAGEY

ClinVar aggregate classification (germline): Pathogenic/Likely pathogenic. Review status: criteria provided, multiple submitters, no conflicts (2 of 4 stars). 8 submissions from 8 submitters: Pathogenic (3); Likely pathogenic (4). 1 of the submissions does not count toward it. Last evaluated 2026-10-08.

Conditions:
HBA1-related disorder. Also called: HBA1-related condition.
Hemoglobin H disease (HBH). Also called: Hemoglobin H (HbH) Disease; ALPHA-THALASSEMIA, HEMOGLOBIN H TYPE; HEMOGLOBIN H DISEASE, DELETIONAL. Identifiers: Orphanet 93616, MedGen C3161174, MONDO:0013512, OMIM 613978. Disease mechanism: loss of function.
Methemoglobinemia, alpha type. Identifiers: MedGen C4693798, MONDO:0020835, OMIM 617973.
Erythrocytosis, familial, 7. Also called: ERYTHROCYTOSIS, ALPHA-GLOBIN TYPE; POLYCYTHEMIA, ALPHA-GLOBIN TYPE; ERYTHROCYTOSIS 7. Identifiers: MedGen C4693823, MONDO:0054802, OMIM 617981.
alpha Thalassemia. Also called: Alpha thalassemia spectrum. Identifiers: Orphanet 846, MedGen C0002312, MONDO:0011399, OMIM 604131.
Heinz body anemia. Also called: Heinz body hemolytic anemia. Identifiers: Orphanet 178330, MedGen C0700299, MONDO:0007705, OMIM 140700, HP:0005511.

Allele frequency attached by ClinVar (database versions not stated): ExAC 0.00054; gnomAD exomes 0.00017; gnomAD below 0.00001 and 0.00002; 1000 Genomes Project 30x 0.00016.

Submissions (8):

GeneDx
Classification: Likely pathogenic. Last evaluated: 2026-10-08. Review status: criteria provided, single submitter. Criteria: GeneDx Variant Classification Process June 2021. Collection method: clinical testing. Allele origin: germline.
Comment: In silico analysis supports that this missense variant has a deleterious effect on protein structure/function; This variant is associated with the following publications: (PMID: 26659599, 26824843, 27830006, 6725558, 15008259, 22924376, 31553106, 26594346, 31304855, 19205971, 38990295)

PreventionGenetics, part of Exact Sciences
Classification: Pathogenic for HBA1-related condition. Last evaluated: 2026-02-23. Review status: criteria provided, single submitter. Criteria: ACMG Guidelines, 2015. Collection method: clinical testing. Allele origin: germline.
Comment: The HBA1 c.43T>C variant is predicted to result in the amino acid substitution p.Trp15Arg. This variant is alternatively referred to as Hb Evanston and p.Trp14Arg in the literature and has been reported in association with alpha thalassaemia (Honig et al. 1984. PubMed ID: 6725558; Scheps et al. 2019. PubMed ID: 31553106; Harteveld et al. 2004. PubMed ID: 15008259). This variant is reported in 0.11% of alleles in individuals of South Asian descent in gnomAD. This variant is interpreted as pathogenic.

Natera, Inc.
Classification: Likely pathogenic for Alpha thalassemia. Last evaluated: 2025-08-06. Review status: criteria provided, single submitter. Criteria: Natera Variant Classification Schema (03/2026). Collection method: clinical testing. Allele origin: germline.
Comment: The c.43T>C variant in HBA1 is a missense variant predicted to cause substitution of tryptophan to arginine at amino acid 15. This variant is rare in the general population with a frequency below the threshold expected for the associated phenotype(s). This variant has been observed in one or more individuals affected with the associated recessive disease, as either homozygous or compound heterozygous with a second variant (PMID: 30830998, 38990295). Functional studies show that this variant may disrupt protein function (PMID: 6725558). Computational prediction algorithms indicate this variant is likely to affect gene or protein function. Given the available evidence, this variant is classified as Likely Pathogenic.

Quest Diagnostics Nichols Institute San Juan Capistrano
Classification: Pathogenic. Last evaluated: 2025-04-30. Review status: criteria provided, single submitter. Criteria: Quest Diagnostics criteria. Collection method: clinical testing. Allele origin: unknown.
Comment: The HBA1 c.43T>C (p.Trp15Arg) variant (also known as Hb Evanston) has been reported in the heterozygous state in individuals with microcytosis/hypochromia (PMID: 31304855 (2019), 22924376 (2012), 19205971 (2009)), including an individual who lost both alpha-globin genes on the opposite chromosome (PMID: 19205971 (2009)). When this variant occurs in combination with the -alpha3.7 or -alpha4.2 alpha-globin deletion, the phenotype ranged from microcytic/hypochromic anemia to Hb H disease (PMID: 15008259 (2004), 6725558 (1984), 6882779 (1983)). This variant has also been shown to be associated with increased oxygen affinity (PMID: 6725558 (1984), 6882779 (1983)). The frequency of this variant in the general population (Genome Aggregation Database) is uninformative in the assessment of its pathogenicity. Analysis of this variant using bioinformatics tools for the prediction of the effect of amino acid changes on protein structure and function yielded predictions that this variant is damaging. Based on the available information, this variant is classified as pathogenic.

ARUP Laboratories, Molecular Genetics and Genomics, ARUP Laboratories
Classification: Likely pathogenic. Last evaluated: 2025-04-02. Review status: criteria provided, single submitter. Criteria: ARUP Molecular Germline Variant Investigation Process 2024. Collection method: clinical testing. Allele origin: germline.
Comment: The Hb Evanston variant (HBA1: c.43T>C; p.Trp15Arg, also known as Trp14Arg when numbered from the mature protein, rs33964317, ClinVar Variation ID: 439103, HbVar ID:16) is reported in at least five individuals from five independent families with phenotypes ranging from mild Hb H disease to microcytic anemia (Harteveld 2004, Honig 1984, Moo-Penn 1983, also see HbVar and references therein). Hb Evanston alone showed an increased oxygen affinity with normal stability (HbVar and references therein). However, when in linkage with a 3.7 kb or 4.2 kb deletion allele, the Hb product was considered to be unstable and rapidly catabolized as indicated by multiple functional assays showing off-balanced alpha/beta ratio (Harteveld 2004, Honig 1984). This variant is found in the general population with an overall allele frequency of 0.017% (28/166364 alleles) in the Genome Aggregation Database (v2.1.1). Computational analyses predict that this variant is deleterious (REVEL: 0.705). Based on available information, the p.Trp15Arg variant is considered to be likely pathogenic. References: Harteveld CL et al. A new Hb evanston allele [alpha14(A12)Trp --> Arg] found solely, and in the presence of common alpha-thalassemia deletions, in three independent Asian cases. Hemoglobin. 2004 Feb;28(1):1-5. PMID: 15008259. Honig GR et al. Hemoglobin Evanston (alpha 14 Trp----Arg). An unstable alpha-chain variant expressed as alpha-thalassemia. J Clin Invest. 1984 Jun;73(6):1740-9. PMID: 6725558. Link to HbVar database: Moo-Penn WF et al. Hemoglobin Evanston: alpha 14(A12) Trp leads to Arg. A variant hemoglobin associated with alpha-thalassemia-2. Biochim Biophys Acta. 1983 Sep 14;747(1-2):65-70. PMID: 6882779.

Fulgent Genetics
Classification: Likely pathogenic for Heinz body anemia; alpha Thalassemia; Hemoglobin H disease; Methemoglobinemia, alpha type; Erythrocytosis, familial, 7. Last evaluated: 2024-02-13. Review status: criteria provided, single submitter. Criteria: ACMG Guidelines, 2015. Collection method: clinical testing. Allele origin: germline.

Laboratory for Molecular Medicine, Mass General Brigham Personalized Medicine
Classification: Pathogenic for alpha Thalassemia. Last evaluated: 2022-11-03. Review status: criteria provided, single submitter. Criteria: ACMG Guidelines, 2015. Collection method: clinical testing. Allele origin: germline.
Comment: The p.Trp15Arg variant in HBA1 (also known as HB Evanston) has been reported in several individuals with microcytosis (Honig 1984 PMID: 6725558, Harteveld 2004 MID: 15008259). It has been reported in clinvar (Variation ID 439103) and was identified in 3/4792 South Asian chromosomes by gnomAD. Computational prediction tools and conservation analyses do not provide strong support for or against an impact to the protein. In vitro functional studies using patient samples support an impact on protein function. In summary, this variant meets criteria to be classified as pathogenic for autosomal recessive alpha thalassemia. ACMG/AMP Criteria applied: PM2_supporting, PM3_Strong, PS3_Supporting.

The ITHANET community portal, The Cyprus Institute of Neurology and Genetics
Classification: Pathogenic for alpha Thalassemia. Last evaluated: 2019-11-25. Review status: no assertion criteria provided. Collection method: curation. Allele origin: germline. Not counted in ClinVar's aggregate classification.

Literature cited by the submitters: PubMed 30830998 (cited by Natera, Inc.); PubMed 38990295 (cited by Natera, Inc. and Quest Diagnostics Nichols Institute San Juan Capistrano); PubMed 6725558 (cited by 3 submitters); PubMed 19205971 (cited by Quest Diagnostics Nichols Institute San Juan Capistrano); PubMed 31304855 (cited by Quest Diagnostics Nichols Institute San Juan Capistrano); PubMed 31553106 (cited by Quest Diagnostics Nichols Institute San Juan Capistrano); PubMed 22924376 (cited by Quest Diagnostics Nichols Institute San Juan Capistrano); PubMed 6882779 (cited by Quest Diagnostics Nichols Institute San Juan Capistrano); PubMed 15008259 (cited by Quest Diagnostics Nichols Institute San Juan Capistrano).